The following is an entry in ClinVar:

NM_014003.4(DHX38):c.475T>C (p.Ser159Pro)

Gene: DHX38 (DEAH-box helicase 38; plus strand). Cytogenetic location: 16q22.2.
Variant type: single nucleotide variant.
Coding change: c.475T>C on transcript NM_014003.4 (MANE Select); coding-DNA position 475, T replaced by C.
Protein change: p.Ser159Pro; replaces serine 159 with proline.
Molecular consequence: missense variant.
Genome position (GRCh38, 1-based): chr16:72,096,973, T>C. VCF-style: chr16-72096973-T-C. GRCh37 (hg19) VCF-style: chr16-72130872-T-C.
Other names: short protein forms S159P.
Identifiers: ClinVar variation 1381257 (VCV001381257.6), dbSNP rs2144131571, ClinGen allele CA396701281.

ClinVar aggregate classification (germline): Uncertain significance (1 of 4 stars; one submission).

Allele frequency attached by ClinVar (database versions not stated): gnomAD exomes below 0.00001.
gnomAD v4.1: 2 of 1,613,896 alleles (0.00012%); highest among the groups gnomAD compares: Admixed American, 0.0017%; no homozygotes.

Submission:

Labcorp Genetics (formerly Invitae), Labcorp
Classification: Uncertain significance. Last evaluated: 2021-11-17. Review status: criteria provided, single submitter. Criteria: Invitae Variant Classification Sherloc (09022015). Collection method: clinical testing. Allele origin: germline.
Comment: In summary, the available evidence is currently insufficient to determine the role of this variant in disease. Therefore, it has been classified as a Variant of Uncertain Significance. Algorithms developed to predict the effect of missense changes on protein structure and function output the following: SIFT: "Tolerated"; PolyPhen-2: "Benign"; Align-GVGD: "Class C0". The proline amino acid residue is found in multiple mammalian species, which suggests that this missense change does not adversely affect protein function. This variant has not been reported in the literature in individuals affected with DHX38-related conditions. This variant is not present in population databases (gnomAD no frequency). This sequence change replaces serine, which is neutral and polar, with proline, which is neutral and non-polar, at codon 159 of the DHX38 protein (p.Ser159Pro).